The following is an entry in ClinVar:

ClinVar aggregate classification (germline): Uncertain significance (1 of 4 stars; one submission).

Submission:

Ambry Genetics
Classification: Uncertain significance. Last evaluated: 2023-10-12. Review status: criteria provided, single submitter. Criteria: Ambry Variant Classification Scheme 2023. Collection method: clinical testing. Allele origin: germline.
Comment: The p.H1957Y variant (also known as c.5869C>T), located in coding exon 8 of the ALPK2 gene, results from a C to T substitution at nucleotide position 5869. The histidine at codon 1957 is replaced by tyrosine, an amino acid with similar properties. This amino acid position is conserved. In addition, the in silico prediction for this alteration is inconclusive. Since supporting evidence is limited at this time, the clinical significance of this alteration remains unclear.

NM_052947.4(ALPK2):c.5869C>T (p.His1957Tyr)

Gene: ALPK2 (alpha kinase 2; minus strand). Cytogenetic location: 18q21.31.
Variant type: single nucleotide variant.
Coding change: c.5869C>T on transcript NM_052947.4 (MANE Select); coding-DNA position 5869, C replaced by T.
Protein change: p.His1957Tyr; replaces histidine 1957 with tyrosine.
Molecular consequence: missense variant.
Genome position (GRCh38, 1-based): chr18:58,516,979, G>A on the plus strand (C>T on the coding strand, the complement: ALPK2 is on the minus strand). VCF-style: chr18-58516979-G-A. GRCh37 (hg19) VCF-style: chr18-56184211-G-A.
Other names: short protein forms H1957Y.
Identifiers: ClinVar variation 3228823 (VCV003228823.1), dbSNP rs2518862728, ClinGen allele CA402548396.